The following is an entry in ClinVar:

ClinVar aggregate classification (germline): Uncertain significance (1 of 4 stars; one submission).

Submission:

GeneDx
Classification: Uncertain significance. Last evaluated: 2019-06-13. Review status: criteria provided, single submitter. Criteria: GeneDx Variant Classification Process June 2021. Collection method: clinical testing. Allele origin: germline. Affected: yes.
Comment: Has not been previously published as pathogenic or benign to our knowledge; Not observed in large population cohorts (Lek et al., 2016); In silico analysis, which includes protein predictors and evolutionary conservation, supports that this variant does not alter protein structure/function; Reported in ClinVar (ClinVar Variant ID 469597; Landrum et al., 2016); This variant is associated with the following publications: (PMID: 30847666)

NM_002234.4(KCNA5):c.754A>C (p.Ile252Leu)

Gene: KCNA5 (potassium voltage-gated channel subfamily A member 5; plus strand). Cytogenetic location: 12p13.32.
Variant type: single nucleotide variant.
Coding change: c.754A>C on transcript NM_002234.4 (MANE Select); coding-DNA position 754, A replaced by C.
Protein change: p.Ile252Leu; replaces isoleucine 252 with leucine.
Molecular consequence: missense variant.
Genome position (GRCh38, 1-based): chr12:5,044,901, A>C. VCF-style: chr12-5044901-A-C. GRCh37 (hg19) VCF-style: chr12-5154067-A-C.
Other names: short protein forms I252L.
Identifiers: ClinVar variation 1306517 (VCV001306517.2), dbSNP rs1555100234, ClinGen allele CA383465087.